The following is an entry in ClinVar:

NM_001903.5(CTNNA1):c.1313G>A (p.Cys438Tyr)

Gene: CTNNA1 (catenin alpha 1; plus strand). Cytogenetic location: 5q31.2.
Variant type: single nucleotide variant.
Coding change: c.1313G>A on transcript NM_001903.5 (MANE Select); coding-DNA position 1313, G replaced by A.
Protein change: p.Cys438Tyr; replaces cysteine 438 with tyrosine.
Molecular consequence: missense variant. On other transcripts: intron variant (3), 5 prime UTR variant (6).
Genome position (GRCh38, 1-based): chr5:138,904,365, G>A. VCF-style: chr5-138904365-G-A. GRCh37 (hg19) VCF-style: chr5-138240054-G-A.
Other names: c.203G>A, p.Cys68Tyr (NM_001323993.1, NM_001323994.1, NM_001323995.1 and 17 more transcripts); c.1297-13377G>A (NM_001323986.2); c.187-13377G>A (NM_001324011.1); c.-60-13377G>A (NM_001324010.1); c.-195G>A (NM_001324009.1, NM_001324006.1, NM_001324007.1 and 1 more transcripts); c.-41G>A (NM_001324012.1, NM_001324013.1); c.1313G>A, p.Cys438Tyr (NM_001290307.3, NM_001323982.2, NM_001323983.1 and 2 more transcripts); c.1004G>A, p.Cys335Tyr (NM_001290309.3); and 2 more; short protein forms C335Y, C315Y, C438Y, C68Y.
Identifiers: ClinVar variation 1360150 (VCV001360150.9), dbSNP rs747066634, ClinGen allele CA3431917.

ClinVar aggregate classification (germline): Uncertain significance. Review status: criteria provided, multiple submitters, no conflicts (2 of 4 stars). 3 submissions from 3 submitters: Uncertain significance (3). Last evaluated 2025-09-07.

Conditions:
Patterned macular dystrophy 2. Identifiers: Orphanet 99001, MedGen C1837029, MONDO:0012162, OMIM 608970.
Hereditary cancer-predisposing syndrome. Also called: Tumor predisposition; Hereditary neoplastic syndrome; Neoplastic Syndromes, Hereditary; Hereditary Cancer Syndrome. Identifiers: Orphanet 140162, MedGen C0027672, MeSH D009386, MONDO:0015356.

Allele frequency attached by ClinVar (database versions not stated): gnomAD exomes 0.00001.

Submissions (3):

Ambry Genetics
Classification: Uncertain significance for Hereditary cancer-predisposing syndrome. Last evaluated: 2025-09-07. Review status: criteria provided, single submitter. Criteria: Ambry Variant Classification Scheme 2023. Collection method: clinical testing. Allele origin: germline.
Comment: The p.C438Y variant (also known as c.1313G>A), located in coding exon 9 of the CTNNA1 gene, results from a G to A substitution at nucleotide position 1313. The cysteine at codon 438 is replaced by tyrosine, an amino acid with highly dissimilar properties. This amino acid position is conserved. In addition, this alteration is predicted to be deleterious by in silico analysis. Since supporting evidence is limited at this time, the clinical significance of this alteration remains unclear.

Baylor Genetics
Classification: Uncertain significance for Patterned macular dystrophy 2. Last evaluated: 2023-11-22. Review status: criteria provided, single submitter. Criteria: ACMG Guidelines, 2015. Collection method: clinical testing. Allele origin: unknown.

Labcorp Genetics (formerly Invitae), Labcorp
Classification: Uncertain significance. Last evaluated: 2023-11-21. Review status: criteria provided, single submitter. Criteria: Invitae Variant Classification Sherloc (09022015). Collection method: clinical testing. Allele origin: germline.
Comment: This sequence change replaces cysteine, which is neutral and slightly polar, with tyrosine, which is neutral and polar, at codon 438 of the CTNNA1 protein (p.Cys438Tyr). This variant is present in population databases (rs747066634, gnomAD 0.002%). This variant has not been reported in the literature in individuals affected with CTNNA1-related conditions. ClinVar contains an entry for this variant (Variation ID: 1360150). Advanced modeling of protein sequence and biophysical properties (such as structural, functional, and spatial information, amino acid conservation, physicochemical variation, residue mobility, and thermodynamic stability) performed at Invitae indicates that this missense variant is not expected to disrupt CTNNA1 protein function with a negative predictive value of 80%. In summary, the available evidence is currently insufficient to determine the role of this variant in disease. Therefore, it has been classified as a Variant of Uncertain Significance.